The following is an entry in ClinVar:

ClinVar aggregate classification (germline): Uncertain significance (1 of 4 stars; one submission).

Conditions:
Cenani-Lenz syndactyly syndrome. Also called: CENANI SYNDACTYLISM; SYNDACTYLY, TYPE VII. Identifiers: Orphanet 3258, MedGen C1859309, MONDO:0008931, OMIM 212780.
Congenital myasthenic syndrome 17. Identifiers: Orphanet 590, MedGen C4225377, MONDO:0014578, OMIM 616304.
Sclerosteosis 2 (SOST2). Identifiers: Orphanet 3152, MedGen C3280402, MONDO:0013679, OMIM 614305.

Submission:

Labcorp Genetics (formerly Invitae), Labcorp
Classification: Uncertain significance for Cenani-Lenz syndactyly syndrome; Sclerosteosis 2; Congenital myasthenic syndrome 17. Last evaluated: 2022-06-09. Review status: criteria provided, single submitter. Criteria: Invitae Variant Classification Sherloc (09022015). Collection method: clinical testing. Allele origin: germline.
Comment: In summary, the available evidence is currently insufficient to determine the role of this variant in disease. Therefore, it has been classified as a Variant of Uncertain Significance. Algorithms developed to predict the effect of missense changes on protein structure and function are either unavailable or do not agree on the potential impact of this missense change (SIFT: "Deleterious"; PolyPhen-2: "Benign"; Align-GVGD: "Class C0"). This variant has not been reported in the literature in individuals affected with LRP4-related conditions. This variant is not present in population databases (gnomAD no frequency). This sequence change replaces serine, which is neutral and polar, with asparagine, which is neutral and polar, at codon 1554 of the LRP4 protein (p.Ser1554Asn).

NM_002334.4(LRP4):c.4661G>A (p.Ser1554Asn)

Genes: LRP4 (LDL receptor related protein 4; minus strand), LRP4-AS1 (LRP4 antisense RNA 1; plus strand). Cytogenetic location: 11p11.2.
Variant type: single nucleotide variant.
Coding change: c.4661G>A on transcript NM_002334.4 (MANE Select); coding-DNA position 4661, G replaced by A.
Protein change: p.Ser1554Asn; replaces serine 1554 with asparagine.
Molecular consequence: missense variant.
Genome position (GRCh38, 1-based): chr11:46,871,556, C>T on the plus strand (G>A on the coding strand, the complement: LRP4 is on the minus strand). VCF-style: chr11-46871556-C-T. GRCh37 (hg19) VCF-style: chr11-46893107-C-T.
Other names: short protein forms S1554N.
Identifiers: ClinVar variation 2003851 (VCV002003851.4), dbSNP rs2539718390, ClinGen allele CA380265965.